The following is an entry in ClinVar:

NM_000293.3(PHKB):c.2588A>G (p.Asn863Ser)

Gene: PHKB (phosphorylase kinase regulatory subunit beta; plus strand). Cytogenetic location: 16q12.1.
Variant type: single nucleotide variant.
Coding change: c.2588A>G on transcript NM_000293.3 (MANE Select); coding-DNA position 2588, A replaced by G.
Protein change: p.Asn863Ser; replaces asparagine 863 with serine.
Molecular consequence: missense variant.
Genome position (GRCh38, 1-based): chr16:47,669,375, A>G. VCF-style: chr16-47669375-A-G. GRCh37 (hg19) VCF-style: chr16-47703286-A-G.
Other names: c.2567A>G, p.Asn856Ser (NM_001031835.3); c.2588A>G, p.Asn863Ser (NM_001363837.1); c.2588A>G (NM_000293.2); short protein forms N856S, N863S.
Identifiers: ClinVar variation 2193617 (VCV002193617.4), dbSNP rs745805941, ClinGen allele CA8041277.
Genomic context (GRCh38, chr16:47,669,375, plus strand): 5'-ATGAGAGGGAAGCGGTCATTCAGCAAGAACTGGTCATCCATATTGGCTGGATCATCTCCA[A>G]TAACCCTGAGTTATTCAGTGGCATGCTGAAAATACGAATCGGGTGAGTGAAGTCCTTTGC-3'
Protein context (NP_000284.1, residues 853-873): LVIHIGWIIS[Asn863Ser]NPELFSGMLK

ClinVar aggregate classification (germline): Uncertain significance. Review status: criteria provided, multiple submitters, no conflicts (2 of 4 stars). 2 submissions from 2 submitters: Uncertain significance (2). Last evaluated 2025-06-07.

Conditions:
Inborn genetic diseases. Identifiers: MedGen C0950123, MeSH D030342.
Glycogen storage disease IXb (GSD9B). Also called: PHOSPHORYLASE KINASE DEFICIENCY OF LIVER AND MUSCLE, AUTOSOMAL RECESSIVE; GLYCOGENOSIS OF LIVER AND MUSCLE, AUTOSOMAL RECESSIVE; GSD IXb. Identifiers: Orphanet 79240, MedGen C0543514, MONDO:0009868, OMIM 261750.

Allele frequency attached by ClinVar (database versions not stated): gnomAD exomes 0.00001; gnomAD 0.00002; ExAC 0.00003; TOPMed 0.00006.
gnomAD v4.1: 18 of 1,614,084 alleles (0.0011%); highest among the groups gnomAD compares: African/African-American, 0.012%; no homozygotes.

Submissions (2):

Ambry Genetics
Classification: Uncertain significance for Inborn genetic diseases. Last evaluated: 2025-06-07. Review status: criteria provided, single submitter. Criteria: Ambry Variant Classification Scheme 2023. Collection method: clinical testing. Allele origin: germline.

Labcorp Genetics (formerly Invitae), Labcorp
Classification: Uncertain significance for Glycogen storage disease IXb. Last evaluated: 2022-06-17. Review status: criteria provided, single submitter. Criteria: Invitae Variant Classification Sherloc (09022015). Collection method: clinical testing. Allele origin: germline.
Comment: This sequence change replaces asparagine, which is neutral and polar, with serine, which is neutral and polar, at codon 863 of the PHKB protein (p.Asn863Ser). This variant is present in population databases (rs745805941, gnomAD 0.007%). This variant has not been reported in the literature in individuals affected with PHKB-related conditions. Algorithms developed to predict the effect of missense changes on protein structure and function are either unavailable or do not agree on the potential impact of this missense change (SIFT: "Tolerated"; PolyPhen-2: "Possibly Damaging"; Align-GVGD: "Class C0"). In summary, the available evidence is currently insufficient to determine the role of this variant in disease. Therefore, it has been classified as a Variant of Uncertain Significance.